The following is an entry in ClinVar:

NM_024675.4(PALB2):c.2446T>A (p.Phe816Ile)

Gene: PALB2 (partner and localizer of BRCA2; minus strand). Cytogenetic location: 16p12.2.
Variant type: single nucleotide variant.
Coding change: c.2446T>A on transcript NM_024675.4 (MANE Select); coding-DNA position 2446, T replaced by A.
Protein change: p.Phe816Ile; replaces phenylalanine 816 with isoleucine.
Molecular consequence: missense variant. On other transcripts: intron variant (1).
Genome position (GRCh38, 1-based): chr16:23,629,708, A>T on the plus strand (T>A on the coding strand, the complement: PALB2 is on the minus strand). VCF-style: chr16-23629708-A-T. GRCh37 (hg19) VCF-style: chr16-23641029-A-T.
Other names: c.2386T>A, p.Phe796Ile (NM_001407296.1); c.2446T>A, p.Phe816Ile (NM_001407297.1, NM_001407298.1, NM_001407299.1 and 3 more transcripts); c.1561T>A, p.Phe521Ile (NM_001407304.1, NM_001407305.1, NM_001407306.1 and 5 more transcripts); c.658T>A, p.Phe220Ile (NM_001407312.1, NM_001407313.1); c.49-433T>A (NM_001407314.1); short protein forms F220I, F521I, F816I, F796I.
Identifiers: ClinVar variation 2848655 (VCV002848655.3), dbSNP rs1567217251, ClinGen allele CA395124196.

ClinVar aggregate classification (germline): Uncertain significance (1 of 4 stars; one submission).

Conditions:
Familial cancer of breast. Also called: BREAST CANCER, FAMILIAL; hereditary breast carcinoma; Hereditary breast cancer. Identifiers: Orphanet 227535, MedGen C0346153, MONDO:0016419, OMIM 114480. Disease mechanism: loss of function.

Submission:

Labcorp Genetics (formerly Invitae), Labcorp
Classification: Uncertain significance for Familial cancer of breast. Last evaluated: 2023-09-22. Review status: criteria provided, single submitter. Criteria: Invitae Variant Classification Sherloc (09022015). Collection method: clinical testing. Allele origin: germline.
Comment: This variant has not been reported in the literature in individuals affected with PALB2-related conditions. This sequence change replaces phenylalanine, which is neutral and non-polar, with isoleucine, which is neutral and non-polar, at codon 816 of the PALB2 protein (p.Phe816Ile). This variant is not present in population databases (gnomAD no frequency). Advanced modeling of protein sequence and biophysical properties (such as structural, functional, and spatial information, amino acid conservation, physicochemical variation, residue mobility, and thermodynamic stability) performed at Invitae indicates that this missense variant is not expected to disrupt PALB2 protein function. In summary, the available evidence is currently insufficient to determine the role of this variant in disease. Therefore, it has been classified as a Variant of Uncertain Significance.